The following is an entry in ClinVar:

NM_012144.4(DNAI1):c.478C>T (p.Gln160Ter)

Gene: DNAI1 (dynein axonemal intermediate chain 1; plus strand). Cytogenetic location: 9p13.3.
Variant type: single nucleotide variant.
Coding change: c.478C>T on transcript NM_012144.4 (MANE Select); coding-DNA position 478, C replaced by T.
Protein change: p.Gln160Ter; replaces glutamine 160 with a stop codon.
Molecular consequence: nonsense.
Genome position (GRCh38, 1-based): chr9:34,490,101, C>T. VCF-style: chr9-34490101-C-T. GRCh37 (hg19) VCF-style: chr9-34490099-C-T.
Other names: c.490C>T, p.Gln164Ter (NM_001281428.2); short protein forms Q160*, Q164*.
Identifiers: ClinVar variation 5015593 (VCV005015593.1).
Genomic context (GRCh38, chr9:34,490,101, plus strand): 5'-GAAACAGGAAACCTCGAAGAAGACGAAGAGCCCAAGGAGTTAGAAACTGAGCCTGGGAGT[C>T]AAACAGATGTGCCTGCAGCTGGGGTACAGTATAATATCGCTCTGTGTCCCTCTTCTTCCA-3'

ClinVar aggregate classification (germline): Pathogenic (1 of 4 stars; one submission).

Conditions:
Kartagener syndrome (CILD1). Also called: CILIARY DYSKINESIA, PRIMARY, 1; CILIARY DYSKINESIA, PRIMARY, 1, WITH OR WITHOUT SITUS INVERSUS; IMMOTILE CILIA SYNDROME; POLYNESIAN BRONCHIECTASIS; Dextrocardia bronchiectasis and sinusitis; SIEWERT SYNDROME. Identifiers: Orphanet 244, MedGen C4551906, MONDO:0009484, OMIM 244400.

gnomAD v4.1: 1 of 1,613,948 alleles (0.000062%); highest among the groups gnomAD compares: Non-Finnish European, 0.000085%; no homozygotes.

Submission:

Myriad Genetics, Inc.
Classification: Pathogenic for Kartagener syndrome. Last evaluated: 2026-02-22. Review status: criteria provided, single submitter. Criteria: Myriad Autosomal Dominant, Autosomal Recessive and X-Linked Classification Criteria (2023). Collection method: clinical testing. Allele origin: unknown.
Comment: NM_012144.2(DNAI1):c.478C>T(Q160*) is expected to be pathogenic in the context of primary ciliary dyskinesia, DNAI1-related. This variant is predicted to lead to an abnormal or absent protein product due to the creation of a premature termination codon in DNAI1, a gene where loss-of-function variants are known to be pathogenic. Please note: this variant was assessed in the context of healthy population screening.